The following is an entry in ClinVar:

ClinVar aggregate classification (germline): Pathogenic. Review status: criteria provided, multiple submitters, no conflicts (2 of 4 stars). 2 submissions from 2 submitters: Pathogenic (2). Last evaluated 2023-11-08.

Conditions:
Catecholaminergic polymorphic ventricular tachycardia 5 (CARDAR). Also called: CARDIAC ARRHYTHMIA SYNDROME, WITH OR WITHOUT SKELETAL MUSCLE WEAKNESS; Ventricular tachycardia, catecholaminergic polymorphic, 5, with or without muscle weakness. Identifiers: Orphanet 3286, MedGen C3809536, MONDO:0014191, OMIM 615441.
Catecholaminergic polymorphic ventricular tachycardia 1. Also called: VENTRICULAR TACHYCARDIA, CATECHOLAMINERGIC POLYMORPHIC, 1, WITH OR WITHOUT ATRIAL DYSFUNCTION AND/OR DILATED CARDIOMYOPATHY; VENTRICULAR TACHYCARDIA, STRESS-INDUCED POLYMORPHIC 1; RYR2-Related Catecholaminergic Polymorphic Ventricular Tachycardia. Identifiers: Orphanet 3286, MedGen C1631597, MONDO:0011484, OMIM 604772.

Allele frequency attached by ClinVar (database versions not stated): gnomAD exomes below 0.00001.
gnomAD v4.1: 3 of 1,611,366 alleles (0.00019%); highest among the groups gnomAD compares: Non-Finnish European, 0.00017%; no homozygotes.

Submissions (2):

Labcorp Genetics (formerly Invitae), Labcorp
Classification: Pathogenic for Catecholaminergic polymorphic ventricular tachycardia 1. Last evaluated: 2023-11-08. Review status: criteria provided, single submitter. Criteria: Invitae Variant Classification Sherloc (09022015). Collection method: clinical testing. Allele origin: germline.
Comment: This sequence change affects a donor splice site in intron 1 of the TRDN gene. It is expected to disrupt RNA splicing. Variants that disrupt the donor or acceptor splice site typically lead to a loss of protein function (PMID: 16199547), and loss-of-function variants in TRDN are known to be pathogenic (PMID: 22422768, 25922419, 26200674, 30649896). This variant is present in population databases (no rsID available, gnomAD 0.0009%). Disruption of this splice site has been observed in individuals with clinical features of triadin knockout syndrome (PMID: 34415104; Invitae). ClinVar contains an entry for this variant (Variation ID: 915308). Algorithms developed to predict the effect of sequence changes on RNA splicing suggest that this variant may disrupt the consensus splice site. For these reasons, this variant has been classified as Pathogenic.

Genomic Research Center, Shahid Beheshti University of Medical Sciences
Classification: Pathogenic for Catecholaminergic polymorphic ventricular tachycardia 5. Last evaluated: 2020-05-03. Review status: criteria provided, single submitter. Criteria: ACMG Guidelines, 2015. Collection method: clinical testing. Allele origin: unknown. Affected: yes.

Literature cited by the submitters: PubMed 16199547 (cited by Labcorp Genetics (formerly Invitae), Labcorp); PubMed 22422768 (cited by Labcorp Genetics (formerly Invitae), Labcorp); PubMed 25922419 (cited by Labcorp Genetics (formerly Invitae), Labcorp); PubMed 26200674 (cited by Labcorp Genetics (formerly Invitae), Labcorp); PubMed 30649896 (cited by Labcorp Genetics (formerly Invitae), Labcorp); PubMed 34415104 (cited by Labcorp Genetics (formerly Invitae), Labcorp).

NM_006073.4(TRDN):c.22+1G>T

Gene: TRDN (triadin; minus strand). Cytogenetic location: 6q22.31.
Variant type: single nucleotide variant.
Coding change: c.22+1G>T on transcript NM_006073.4 (MANE Select); the canonical splice donor site of the intron after coding-DNA position 22, G replaced by T.
Molecular consequence: splice donor variant.
Genome position (GRCh38, 1-based): chr6:123,636,753, C>A on the plus strand (G>T on the coding strand, the complement: TRDN is on the minus strand). VCF-style: chr6-123636753-C-A. GRCh37 (hg19) VCF-style: chr6-123957898-C-A.
Other names: c.22+1G>T (NM_001407315.1, NM_001251987.2, NM_001256020.2 and 2 more transcripts).
Identifiers: ClinVar variation 915308 (VCV000915308.6), dbSNP rs1290195833, ClinGen allele CA365567962.
Genomic context (GRCh38, chr6:123,636,753, plus strand): 5'-TGGCTGTCGATTTGCATATTTTTTTTCCTTACTTGATACTATCGGAAAATGGTAGCAATA[C>A]CTTCAGCAGTGATCTCAGTCATGGTGGTCGTCAAAAGTAAAAGTCAGTTGAAAAGTTCCC-3'